The following is an entry in ClinVar:

ClinVar aggregate classification (germline): Pathogenic (1 of 4 stars; one submission).

Conditions:
Hereditary spastic paraplegia 8 (SPG8). Also called: SPASTIC PARAPLEGIA 8, AUTOSOMAL DOMINANT. Identifiers: Orphanet 100989, MedGen C1863704, MONDO:0011339, OMIM 603563.
Ritscher-Schinzel syndrome. Also called: CRANIOCEREBELLOCARDIAC DYSPLASIA. Identifiers: Orphanet 7, MedGen C0796137, MONDO:0019078.

Allele frequency attached by ClinVar (database versions not stated): gnomAD exomes 0.00001.

Submission:

Labcorp Genetics (formerly Invitae), Labcorp
Classification: Pathogenic for Ritscher-Schinzel syndrome; Hereditary spastic paraplegia 8. Last evaluated: 2022-12-16. Review status: criteria provided, single submitter. Criteria: Invitae Variant Classification Sherloc (09022015). Collection method: clinical testing. Allele origin: germline.
Comment: For these reasons, this variant has been classified as Pathogenic. This variant has not been reported in the literature in individuals affected with WASHC5-related conditions. This sequence change creates a premature translational stop signal (p.Pro813Argfs*3) in the WASHC5 gene. It is expected to result in an absent or disrupted protein product. Loss-of-function variants in WASHC5 are known to be pathogenic (PMID: 24065355). This variant is not present in population databases (gnomAD no frequency).

Literature cited by the submitters: PubMed 24065355.

NM_014846.4(WASHC5):c.2438_2439del (p.Pro813fs)

Gene: WASHC5 (WASH complex subunit 5; minus strand). Cytogenetic location: 8q24.13.
Variant type: Deletion.
Coding change: c.2438_2439del on transcript NM_014846.4 (MANE Select); coding-DNA positions 2438 to 2439, 2 bases deleted (CT; older notation c.2438_2439delCT).
Protein change: p.Pro813fs; shifts the reading frame from proline 813.
Molecular consequence: frameshift variant.
Genome position (GRCh38, 1-based): chr8:125,047,272-125,047,273, AG deleted on the plus strand (CT on the coding strand, the reverse complement: WASHC5 is on the minus strand). VCF-style (leftmost placement, unchanged base first): chr8-125047271-CAG-C. GRCh37 (hg19) VCF-style: chr8-126059513-CAG-C.
Other names: c.1994_1995del, p.Pro665fs (NM_001330609.2); short protein forms P813fs, P665fs.
Identifiers: ClinVar variation 2940559 (VCV002940559.3), dbSNP rs2537313187, ClinGen allele CA2688510882.